The following is an entry in ClinVar:

ClinVar aggregate classification (germline): Pathogenic (1 of 4 stars; one submission).

Submission:

Labcorp Genetics (formerly Invitae), Labcorp
Classification: Pathogenic. Last evaluated: 2022-03-14. Review status: criteria provided, single submitter. Criteria: Invitae Variant Classification Sherloc (09022015). Collection method: clinical testing. Allele origin: germline.
Comment: For these reasons, this variant has been classified as Pathogenic. This variant has not been reported in the literature in individuals affected with SPTB-related conditions. This variant is not present in population databases (gnomAD no frequency). This sequence change creates a premature translational stop signal (p.Ala1501Serfs*10) in the SPTB gene. It is expected to result in an absent or disrupted protein product. Loss-of-function variants in SPTB are known to be pathogenic (PMID: 1391962, 1498324, 8844207, 26830532, 27292444).

Literature cited by the submitters: PubMed 1391962; PubMed 1498324; PubMed 8844207; PubMed 26830532; PubMed 27292444.

NM_001355436.2(SPTB):c.4497_4500dup (p.Ala1501fs)

Gene: SPTB (spectrin beta, erythrocytic; minus strand). Cytogenetic location: 14q23.3.
Variant type: Duplication.
Coding change: c.4497_4500dup on transcript NM_001355436.2 (MANE Select); coding-DNA positions 4497 to 4500, 4 bases duplicated (TCTG; older notation c.4497_4500dupTCTG).
Protein change: p.Ala1501fs; shifts the reading frame from alanine 1501.
Molecular consequence: frameshift variant.
Genome position (GRCh38, 1-based): chr14:64,779,220-64,779,223, CAGA duplicated on the plus strand (TCTG on the coding strand, the reverse complement: SPTB is on the minus strand). VCF-style (leftmost placement, unchanged base first): chr14-64779219-C-CCAGA. GRCh37 (hg19) VCF-style: chr14-65245937-C-CCAGA.
Other names: c.4497_4500dup, p.Ala1501fs (NM_001024858.4, NM_001355437.2); short protein forms A1501fs.
Identifiers: ClinVar variation 2111532 (VCV002111532.4), dbSNP rs2503087761, ClinGen allele CA2580088496.